The following is an entry in ClinVar:

NC_000013.10:g.(?_52515197)_(52518447_?)del

Gene: ATP7B (ATPase copper transporting beta; minus strand). Cytogenetic location: 13q14.3.
Variant type: Deletion.
Identifiers: ClinVar variation 3244111 (VCV003244111.1).

ClinVar aggregate classification (germline): Pathogenic (1 of 4 stars; one submission).

Conditions:
Wilson disease (WND). Also called: Wilson's disease. Identifiers: Orphanet 905, MedGen C0019202, MONDO:0010200, OMIM 277900. Disease mechanism: loss of function.

Submission:

Labcorp Genetics (formerly Invitae), Labcorp
Classification: Pathogenic for Wilson disease. Last evaluated: 2023-09-21. Review status: criteria provided, single submitter. Criteria: Invitae Variant Classification Sherloc (09022015). Collection method: clinical testing. Allele origin: unknown.
Comment: This variant is a gross deletion of the genomic region encompassing exon(s) 14-16 of the ATP7B gene. This deletion is out-of-frame, and is expected to create a premature termination codon and result in an absent or disrupted protein product. Loss-of-function variants in ATP7B are known to be pathogenic (PMID: 10441329, 16283883). A similar copy number variant has been observed in individual(s) with Wilson disease (PMID: 27992490). For these reasons, this variant has been classified as Pathogenic.

Literature cited by the submitters: PubMed 10441329; PubMed 16283883; PubMed 27992490.